The following is an entry in ClinVar:

ClinVar aggregate classification (germline): Conflicting classifications of pathogenicity. Review status: criteria provided, conflicting classifications (1 of 4 stars). 5 submissions from 5 submitters: Uncertain significance (1); Benign (1); Likely benign (3). Last evaluated 2026-06-10.

Conditions:
Heterotopia, periventricular, X-linked dominant (PVNH1). Also called: X-linked periventricular heterotopia; PERIVENTRICULAR NODULAR HETEROTOPIA 4; HETEROTOPIA, PERIVENTRICULAR, 1; PERIVENTRICULAR NODULAR HETEROTOPIA 1. Identifiers: Orphanet 2149, Orphanet 82004, MedGen C1848213, MONDO:0010233, OMIM 300049.
Frontometaphyseal dysplasia (FMD1). Identifiers: Orphanet 1826, MedGen C0265293, MONDO:0015942.
Oto-palato-digital syndrome, type II (OPD2). Also called: Otopalatodigital Syndrome, Type II; Otopalatodigital Syndrome Type 2 (FLNA-OPD2); FACIOPALATOOSSEOUS SYNDROME; OPD II SYNDROME. Identifiers: Orphanet 669, Orphanet 90652, MedGen C1844696, MONDO:0010571, OMIM 304120.
Melnick-Needles syndrome (MNS). Also called: Melnick-Needles Syndrome (FLNA-MNS); MELNICK-NEEDLES OSTEODYSPLASTY; OSTEODYSPLASTY OF MELNICK AND NEEDLES. Identifiers: Orphanet 2484, MedGen C0025237, MONDO:0010650, OMIM 309350.
Familial thoracic aortic aneurysm and aortic dissection (TAAD). Also called: Thoracic aortic aneurysms and dissections. Identifiers: Orphanet 91387, MedGen C4707243, MONDO:0019625.

Allele frequency attached by ClinVar (database versions not stated): ExAC 0.00002; gnomAD exomes 0.00002; TOPMed 0.00005; gnomAD 0.00006 and 0.00009.
gnomAD v4.1: 34 of 1,210,607 alleles (0.0028%); highest among the groups gnomAD compares: African/African-American, 0.016%; no homozygotes.

Submissions (5):

Women's Health and Genetics/Laboratory Corporation of America, LabCorp
Classification: Likely benign. Last evaluated: 2026-06-10. Review status: criteria provided, single submitter. Criteria: LabCorp Variant Classification Summary - May 2015. Collection method: clinical testing. Allele origin: germline.
Comment: Variant summary: FLNA c.5492G>A (p.Arg1831Gln) results in a conservative amino acid change in the encoded protein sequence. Algorithms developed to predict the effect of missense changes on protein structure and function are either unavailable or do not agree on the potential impact of this missense change. The variant allele was found at a frequency of 1.7e-05 in 180899 control chromosomes. A total of 10 hemizygotes and 24 heterozygotes were observed in the gnomAD v4 database. To our knowledge, no occurrence of c.5492G>A in individuals affected with FLNA-related conditions and no experimental evidence demonstrating its impact on protein function have been reported. ClinVar contains an entry for this variant (Variation ID: 1059835). Based on the evidence outlined above, the variant was classified as likely benign.

Labcorp Genetics (formerly Invitae), Labcorp
Classification: Benign for Oto-palato-digital syndrome, type II; Heterotopia, periventricular, X-linked dominant; Frontometaphyseal dysplasia; Melnick-Needles syndrome. Last evaluated: 2025-07-03. Review status: criteria provided, single submitter. Criteria: Invitae Variant Classification Sherloc (09022015). Collection method: clinical testing. Allele origin: germline.

CeGaT Center for Human Genetics Tuebingen
Classification: Likely benign. Last evaluated: 2024-08-01. Review status: criteria provided, single submitter. Criteria: CeGaT Center For Human Genetics Tuebingen Variant Classification Criteria Version 2. Collection method: clinical testing. Allele origin: germline. Affected: yes. Observed: 1 variant allele.
Comment: FLNA: BP4, BS2

Blueprint Genetics
Classification: Likely benign. Last evaluated: 2021-09-16. Review status: criteria provided, single submitter. Criteria: ACMG Guidelines, 2015. Collection method: clinical testing. Allele origin: germline.

Ambry Genetics
Classification: Uncertain significance for Familial thoracic aortic aneurysm and aortic dissection. Last evaluated: 2021-02-26. Review status: criteria provided, single submitter. Criteria: Ambry Variant Classification Scheme 2023. Collection method: clinical testing. Allele origin: germline.
Comment: The p.R1823Q variant (also known as c.5468G>A), located in coding exon 32 of the FLNA gene, results from a G to A substitution at nucleotide position 5468. The arginine at codon 1823 is replaced by glutamine, an amino acid with highly similar properties. This amino acid position is not well conserved in available vertebrate species. In addition, this alteration is predicted to be tolerated by in silico analysis. Since supporting evidence is limited at this time, the clinical significance of this alteration remains unclear.

NM_001110556.2(FLNA):c.5492G>A (p.Arg1831Gln)

Gene: FLNA (filamin A; minus strand). Cytogenetic location: Xq28.
Variant type: single nucleotide variant.
Coding change: c.5492G>A on transcript NM_001110556.2 (MANE Select); coding-DNA position 5492, G replaced by A.
Protein change: p.Arg1831Gln; replaces arginine 1831 with glutamine.
Molecular consequence: missense variant.
Genome position (GRCh38, 1-based): chrX:154,354,216, C>T on the plus strand (G>A on the coding strand, the complement: FLNA is on the minus strand). VCF-style: chrX-154354216-C-T. GRCh37 (hg19) VCF-style: chrX-153582584-C-T.
Other names: c.5468G>A, p.Arg1823Gln (NM_001456.4); short protein forms R1823Q, R1831Q.
Identifiers: ClinVar variation 1059835 (VCV001059835.29), dbSNP rs781882457, ClinGen allele CA10560299.